The following is an entry in ClinVar:

NM_000443.4(ABCB4):c.2717T>G (p.Val906Gly)

Gene: ABCB4 (ATP binding cassette subfamily B member 4; minus strand). Cytogenetic location: 7q21.12.
Variant type: single nucleotide variant.
Coding change: c.2717T>G on transcript NM_000443.4 (MANE Select); coding-DNA position 2717, T replaced by G.
Protein change: p.Val906Gly; replaces valine 906 with glycine.
Molecular consequence: missense variant.
Genome position (GRCh38, 1-based): chr7:87,413,683, A>C on the plus strand (T>G on the coding strand, the complement: ABCB4 is on the minus strand). VCF-style: chr7-87413683-A-C. GRCh37 (hg19) VCF-style: chr7-87042999-A-C.
Other names: c.2717T>G, p.Val906Gly (NM_018849.3, NM_018850.3); short protein forms V906G.
Identifiers: ClinVar variation 4846664 (VCV004846664.1).
Genomic context (GRCh38, chr7:87,413,683, plus strand): 5'-GGTCCATACAATTTTTCAACATACATTGATTCAAATTTTCTTTCCTGGGTCAAAGACACA[A>C]CTGTCCTAATATTTTCTATTGCCTCTGTTGCAATCTGTAACACAGAATAGACCTTCATTA-3'
Protein context (NP_000434.1, residues 896-916): ATEAIENIRT[Val906Gly]VSLTQERKFE

ClinVar aggregate classification (germline): Uncertain significance (1 of 4 stars; one submission).

Conditions:
Familial intrahepatic cholestasis. Identifiers: Orphanet 284385, MedGen CN296401, MONDO:0017290.

Submission:

Genomenon, Inc
Classification: Uncertain significance for Familial intrahepatic cholestasis. Last evaluated: 2026-04-14. Review status: criteria provided, single submitter. Criteria: Genomenon Sequence Variant Interpretation Standards - Updated. Collection method: curation. Allele origin: germline. Affected: yes.
Comment: ABCB4 p.Val906Gly (c.2717T>G) is a missense variant that changes the amino acid at residue 906 from Valine to Glycine. This variant has been observed in at least one proband with an ABCB4-related disorder (PMID:39149201). It is absent or not present at a significant frequency in gnomAD. In silico models predict that this variant is possibly or probably damaging. In conclusion, we classify ABCB4 p.Val906Gly (c.2717T>G) as a variant of uncertain significance.

Literature cited by the submitters: PubMed 39149201.